The following is an entry in ClinVar:

ClinVar aggregate classification (germline): Likely benign (1 of 4 stars; one submission).

Conditions:
CYP2B6-related disorder. Also called: CYP2B6-related condition.

gnomAD v4.1: 5,367 of 1,613,972 alleles (0.33%); highest among the groups gnomAD compares: Middle Eastern, 1.1%; 15 homozygotes.

Submissions (5):

PreventionGenetics, part of Exact Sciences
Classification: Likely benign for CYP2B6-related condition. Last evaluated: 2025-10-24. Review status: criteria provided, single submitter. Criteria: ACMG Guidelines, 2015. Collection method: clinical testing. Allele origin: germline.
Comment: This variant is classified as likely benign based on ACMG/AMP sequence variant interpretation guidelines (Richards et al. 2015 PMID: 25741868, with internal and published modifications).

Dr. Peter K. Rogan Lab, Western University
No classification provided (evidence only). Condition: Lung cancer. Review status: no classification provided. Collection method: in vitro. Allele origin: not applicable. Functional consequence: retained intron. Not counted in ClinVar's aggregate classification.

Dr. Peter K. Rogan Lab, Western University
No classification provided (evidence only). Condition: Colon adenocarcinoma. Review status: no classification provided. Collection method: in vitro. Allele origin: not applicable. Functional consequence: retained intron. Not counted in ClinVar's aggregate classification.

Dr. Peter K. Rogan Lab, Western University
No classification provided (evidence only). Condition: Thyroid cancer, nonmedullary, 1. Review status: no classification provided. Collection method: in vitro. Allele origin: not applicable. Functional consequence: retained intron. Not counted in ClinVar's aggregate classification.

Dr. Peter K. Rogan Lab, Western University
No classification provided (evidence only). Condition: Thyroid cancer, nonmedullary, 1. Review status: no classification provided. Collection method: in vitro. Allele origin: not applicable. Functional consequence: retained intron. Not counted in ClinVar's aggregate classification.

NM_000767.5(CYP2B6):c.136A>G (p.Met46Val)

Gene: CYP2B6 (cytochrome P450 family 2 subfamily B member 6; plus strand). Cytogenetic location: 19q13.2.
Variant type: single nucleotide variant.
Coding change: c.136A>G on transcript NM_000767.5 (MANE Select); coding-DNA position 136, A replaced by G.
Protein change: p.Met46Val; replaces methionine 46 with valine.
Molecular consequence: missense variant.
Genome position (GRCh38, 1-based): chr19:40,991,441, A>G. VCF-style: chr19-40991441-A-G. GRCh37 (hg19) VCF-style: chr19-41497346-A-G.
Other names: NC_000019.9:g.41497346A>G; c.136A>G (NM_000767.4); short protein forms M46V.
Identifiers: ClinVar variation 4440464 (VCV004440464.2).